The following is an entry in ClinVar:

ClinVar aggregate classification (germline): Pathogenic (1 of 4 stars; one submission).

Submission:

CeGaT Center for Human Genetics Tuebingen
Classification: Pathogenic. Last evaluated: 2024-01-01. Review status: criteria provided, single submitter. Criteria: CeGaT Center For Human Genetics Tuebingen Variant Classification Criteria Version 2. Collection method: clinical testing. Allele origin: germline. Affected: yes. Observed: 1 variant allele.
Comment: DSG2: PVS1, PM2

NM_001943.5(DSG2):c.1404del (p.Ile469fs)

Gene: DSG2 (desmoglein 2; plus strand). Cytogenetic location: 18q12.1.
Variant type: Deletion.
Coding change: c.1404del on transcript NM_001943.5 (MANE Select); coding-DNA position 1404, one base deleted (G; older notation c.1404delG).
Protein change: p.Ile469fs; shifts the reading frame from isoleucine 469.
Molecular consequence: frameshift variant.
Genome position (GRCh38, 1-based): chr18:31,535,393, G deleted. VCF-style (leftmost placement, unchanged base first): chr18-31535392-AG-A. GRCh37 (hg19) VCF-style: chr18-29115355-AG-A.
Other names: short protein forms I469fs.
Identifiers: ClinVar variation 3027046 (VCV003027046.22), dbSNP rs2510917365, ClinGen allele CA2740094003.